The following is an entry in ClinVar:

ClinVar aggregate classification (germline): Uncertain significance. Review status: criteria provided, multiple submitters, no conflicts (2 of 4 stars). 2 submissions from 2 submitters: Uncertain significance (2). Last evaluated 2025-02-20.

Conditions:
Dyskeratosis congenita, autosomal recessive 5 (DKCB5). Identifiers: MedGen C3554656, MONDO:0014076, OMIM 615190.
Pulmonary fibrosis and/or bone marrow failure, Telomere-related, 3. Also called: PULMONARY FIBROSIS AND/OR BONE MARROW FAILURE SYNDROME, TELOMERE-RELATED, 3. Identifiers: Orphanet 2032, MedGen C4225346, MONDO:0014613, OMIM 616373.
Inborn genetic diseases. Identifiers: MedGen C0950123, MeSH D030342.

gnomAD v4.1: 4 of 1,612,654 alleles (0.00025%); highest among the groups gnomAD compares: South Asian, 0.0044%; no homozygotes.

Submissions (2):

Ambry Genetics
Classification: Uncertain significance for Inborn genetic diseases. Last evaluated: 2025-02-20. Review status: criteria provided, single submitter. Criteria: Ambry Variant Classification Scheme 2023. Collection method: clinical testing. Allele origin: germline.
Comment: The p.G924D variant (also known as c.2771G>A), located in coding exon 28 of the RTEL1 gene, results from a G to A substitution at nucleotide position 2771. The glycine at codon 924 is replaced by aspartic acid, an amino acid with similar properties. This amino acid position is conserved. In addition, this alteration is predicted to be tolerated by in silico analysis. Based on the available evidence, the clinical significance of this variant remains unclear.

Labcorp Genetics (formerly Invitae), Labcorp
Classification: Uncertain significance for Dyskeratosis congenita, autosomal recessive 5; Pulmonary fibrosis and/or bone marrow failure, Telomere-related, 3. Last evaluated: 2022-09-28. Review status: criteria provided, single submitter. Criteria: Invitae Variant Classification Sherloc (09022015). Collection method: clinical testing. Allele origin: germline.
Comment: This sequence change replaces glycine, which is neutral and non-polar, with aspartic acid, which is acidic and polar, at codon 924 of the RTEL1 protein (p.Gly924Asp). This variant is present in population databases (rs776546788, gnomAD 0.01%). This variant has not been reported in the literature in individuals affected with RTEL1-related conditions. Algorithms developed to predict the effect of missense changes on protein structure and function output the following: SIFT: "Tolerated"; PolyPhen-2: "Benign"; Align-GVGD: "Class C0". The aspartic acid amino acid residue is found in multiple mammalian species, which suggests that this missense change does not adversely affect protein function. In summary, the available evidence is currently insufficient to determine the role of this variant in disease. Therefore, it has been classified as a Variant of Uncertain Significance.

NM_001283009.2(RTEL1):c.2771G>A (p.Gly924Asp)

Genes: RTEL1 (regulator of telomere elongation helicase 1; plus strand), RTEL1-TNFRSF6B (RTEL1-TNFRSF6B readthrough (NMD candidate); plus strand). Cytogenetic location: 20q13.33.
Variant type: single nucleotide variant.
Coding change: c.2771G>A on transcript NM_001283009.2 (MANE Select); coding-DNA position 2771, G replaced by A.
Protein change: p.Gly924Asp; replaces glycine 924 with aspartic acid.
Molecular consequence: missense variant. On other transcripts: non-coding transcript variant (1).
Genome position (GRCh38, 1-based): chr20:63,692,923, G>A. VCF-style: chr20-63692923-G-A. GRCh37 (hg19) VCF-style: chr20-62324276-G-A.
Other names: c.2102G>A, p.Gly701Asp (NM_001283010.1); c.2771G>A, p.Gly924Asp (NM_016434.4); c.2843G>A, p.Gly948Asp (NM_032957.5); short protein forms G948D, G701D, G924D.
Identifiers: ClinVar variation 2175972 (VCV002175972.2), dbSNP rs776546788, ClinGen allele CA9965525.